The following is an entry in ClinVar:

NM_000059.4(BRCA2):c.1501A>G (p.Ile501Val)

Gene: BRCA2 (BRCA2 DNA repair associated; plus strand). Cytogenetic location: 13q13.1.
Variant type: single nucleotide variant.
Coding change: c.1501A>G on transcript NM_000059.4 (MANE Select); coding-DNA position 1501, A replaced by G.
Protein change: p.Ile501Val; replaces isoleucine 501 with valine.
Molecular consequence: missense variant.
Genome position (GRCh38, 1-based): chr13:32,332,979, A>G. VCF-style: chr13-32332979-A-G. GRCh37 (hg19) VCF-style: chr13-32907116-A-G.
Other names: short protein forms I501V.
Identifiers: ClinVar variation 433760 (VCV000433760.15), dbSNP rs1555281924, ClinGen allele CA387764486.

ClinVar aggregate classification (germline): Conflicting classifications of pathogenicity. Review status: criteria provided, conflicting classifications (1 of 4 stars). 6 submissions from 6 submitters: Uncertain significance (3); Likely benign (2). 1 of the submissions does not count toward it. Last evaluated 2025-03-06.

Conditions:
Hereditary cancer-predisposing syndrome. Also called: Hereditary Cancer Syndrome; Hereditary neoplastic syndrome; Neoplastic Syndromes, Hereditary; Tumor predisposition. Identifiers: Orphanet 140162, MedGen C0027672, MeSH D009386, MONDO:0015356.
Hereditary breast ovarian cancer syndrome. Also called: Hereditary breast and ovarian cancer syndrome (HBOC); Breast and ovarian cancer; BRCA1- and BRCA2-Associated Hereditary Breast and Ovarian Cancer; Hereditary breast and/or ovarian cancer syndrome; Hereditary breast and ovarian cancer; Hereditary breast and ovarian cancer syndrome. Identifiers: Orphanet 145, MedGen C0677776, MeSH D061325, MONDO:0003582. Disease mechanism: loss of function.
Malignant tumor of breast. Also called: Malignant breast neoplasm; Cancer breast. Identifiers: MedGen C0006142, MONDO:0007254. Disease mechanism: loss of function.

Allele frequency attached by ClinVar (database versions not stated): gnomAD exomes below 0.00001.
gnomAD v4.1: 1 of 1,595,636 alleles (0.000063%); highest among the groups gnomAD compares: Non-Finnish European, 0.000085%; no homozygotes.

Submissions (6):

Ambry Genetics
Classification: Likely benign for Hereditary cancer-predisposing syndrome. Last evaluated: 2025-03-06. Review status: criteria provided, single submitter. Criteria: Ambry Variant Classification Scheme 2023. Collection method: clinical testing. Allele origin: germline.

Quest Diagnostics Nichols Institute San Juan Capistrano
Classification: Uncertain significance. Last evaluated: 2024-04-12. Review status: criteria provided, single submitter. Criteria: Quest Diagnostics criteria. Collection method: clinical testing. Allele origin: unknown.
Comment: The BRCA2 c.1501A>G (p.Ile501Val) variant has been reported in the published literature to be located in a region of the BRCA2 gene that is tolerant to missense sequence changes (PMID: 31911673 (2020)). To the best of our knowledge, this variant has not been reported in individuals with BRCA2-related disorders. This variant has not been reported in large, multi-ethnic general populations (Genome Aggregation Database). Analysis of this variant using bioinformatics tools for the prediction of the effect of amino acid changes on protein structure and function yielded predictions that this variant is benign. Based on the available information, we are unable to determine the clinical significance of this variant.

Labcorp Genetics (formerly Invitae), Labcorp
Classification: Uncertain significance for Hereditary breast ovarian cancer syndrome. Last evaluated: 2024-01-21. Review status: criteria provided, single submitter. Criteria: Invitae Variant Classification Sherloc (09022015). Collection method: clinical testing. Allele origin: germline.
Comment: This sequence change replaces isoleucine, which is neutral and non-polar, with valine, which is neutral and non-polar, at codon 501 of the BRCA2 protein (p.Ile501Val). This variant is not present in population databases (gnomAD no frequency). This variant has not been reported in the literature in individuals affected with BRCA2-related conditions. ClinVar contains an entry for this variant (Variation ID: 433760). Advanced modeling of protein sequence and biophysical properties (such as structural, functional, and spatial information, amino acid conservation, physicochemical variation, residue mobility, and thermodynamic stability) performed at Invitae indicates that this missense variant is not expected to disrupt BRCA2 protein function with a negative predictive value of 95%. In summary, the available evidence is currently insufficient to determine the role of this variant in disease. Therefore, it has been classified as a Variant of Uncertain Significance.

GeneDx
Classification: Uncertain significance. Last evaluated: 2023-11-14. Review status: criteria provided, single submitter. Criteria: GeneDx Variant Classification Process June 2021. Collection method: clinical testing. Allele origin: germline. Affected: yes.
Comment: Not observed at significant frequency in large population cohorts (gnomAD); In silico analysis supports that this missense variant does not alter protein structure/function; Has not been previously published as pathogenic or benign to our knowledge; Also known as 1729A>G; This variant is associated with the following publications: (PMID: 31911673)

University of Washington Department of Laboratory Medicine, University of Washington
Classification: Likely benign for Hereditary cancer-predisposing syndrome. Last evaluated: 2023-03-23. Review status: criteria provided, single submitter. Criteria: Dines et al. (Genet Med. 2020). Collection method: curation. Allele origin: germline.
Comment: Missense variant in a coldspot region where missense variants are very unlikely to be pathogenic (PMID:31911673).

BRCA2 exon 10 coldspot. Reclassification based on statistical prior probability.

Department of Pathology and Laboratory Medicine, Sinai Health System
Classification: Uncertain significance for Malignant tumor of breast. Review status: no assertion criteria provided. Collection method: clinical testing. Allele origin: unknown. Affected: yes. Study: The Canadian Open Genetics Repository (COGR). Not counted in ClinVar's aggregate classification.
Comment: The BRCA2 p.Ile501Val variant was not identified in the literature, nor was it identified in the dbSNP, NHLBI Exome Sequencing Project (Exome Variant Server), Exome Aggregation Consortium (ExAC), LOVD, COSMIC, ClinVar, Clinvitae, ARUP Laboratories, MutDB, GeneInsight COGR or BIC. The p.Ile501Val variant was identified in BRCA Share UMD database 1X and classified as an unknown variant. The p.Ile501 residue is not conserved in mammals and computational analyses (PolyPhen-2, SIFT, AlignGVGD, BLOSUM, MutationTaster) do not suggest a high likelihood of impact to the protein. However, this information is not predictive enough to rule out pathogenicity. The variant occurs outside of the splicing consensus sequence and 1 of 5 in silico or computational prediction software programs (SpliceSiteFinder, MaxEntScan, NNSPLICE, GeneSplicer, HumanSpliceFinder) predict a greater than 10% difference in splicing; this is not very predictive of pathogenicity. In summary, based on the above information, the clinical significance of this variant cannot be determined with certainty at this time. This variant is classified as a variant of uncertain significance.

Literature cited by the submitters: PubMed 31911673 (cited by Quest Diagnostics Nichols Institute San Juan Capistrano).